The following is an entry in ClinVar:

ClinVar aggregate classification (germline): Uncertain significance (1 of 4 stars; one submission).

Conditions:
Hereditary cancer-predisposing syndrome. Also called: Hereditary neoplastic syndrome; Neoplastic Syndromes, Hereditary; Tumor predisposition; Hereditary Cancer Syndrome. Identifiers: Orphanet 140162, MedGen C0027672, MeSH D009386, MONDO:0015356.

Submission:

Ambry Genetics
Classification: Uncertain significance for Hereditary cancer-predisposing syndrome. Last evaluated: 2025-08-27. Review status: criteria provided, single submitter. Criteria: Ambry Variant Classification Scheme 2023. Collection method: clinical testing. Allele origin: germline.
Comment: The p.K28N variant (also known as c.84G>C), located in coding exon 2 of the MUTYH gene, results from a G to C substitution at nucleotide position 84. The lysine at codon 28 is replaced by asparagine, an amino acid with similar properties. This amino acid position is conserved. In addition, this alteration is predicted to be tolerated by in silico analysis. Based on the available evidence, the clinical significance of this variant remains unclear.

NM_001048174.2(MUTYH):c.42G>C (p.Lys14Asn)

Gene: MUTYH (mutY DNA glycosylase; minus strand). Cytogenetic location: 1p34.1.
Variant type: single nucleotide variant.
Coding change: c.42G>C on transcript NM_001048174.2 (MANE Select); coding-DNA position 42, G replaced by C.
Protein change: p.Lys14Asn; replaces lysine 14 with asparagine.
Molecular consequence: missense variant. On other transcripts: 5 prime UTR variant (7), non-coding transcript variant (7).
Genome position (GRCh38, 1-based): chr1:45,334,464, C>G on the plus strand (G>C on the coding strand, the complement: MUTYH is on the minus strand). VCF-style: chr1-45334464-C-G. GRCh37 (hg19) VCF-style: chr1-45800136-C-G.
Other names: c.42G>C, p.Lys14Asn (NM_001048171.2, NM_001048172.2, NM_001048173.2 and 15 more transcripts); c.84G>C, p.Lys28Asn (NM_001128425.2, NM_001293190.2, NM_001407069.1 and 2 more transcripts); c.-171G>C (NM_001293192.2, NM_001293196.2, NM_001407091.1); c.-230G>C (NM_001350650.2); c.-166G>C (NM_001350651.2, NM_001407082.1); c.-115G>C (NM_001407075.1); c.60G>C, p.Lys20Asn (NM_001407087.1); short protein forms K14N, K28N, K20N.
Identifiers: ClinVar variation 4113863 (VCV004113863.1).